The following is an entry in ClinVar:

ClinVar aggregate classification (germline): Uncertain significance. Review status: criteria provided, multiple submitters, no conflicts (2 of 4 stars). 2 submissions from 2 submitters: Uncertain significance (2). Last evaluated 2026-03-06.

Conditions:
NPC1-related disorder. Also called: NPC1-related condition.
Niemann-Pick disease, type C1. Also called: NIEMANN-PICK DISEASE, VARIANT TYPE C1; NEUROVISCERAL STORAGE DISEASE WITH VERTICAL SUPRANUCLEAR OPHTHALMOPLEGIA; NIEMANN-PICK DISEASE WITH CHOLESTEROL ESTERIFICATION BLOCK; NIEMANN-PICK DISEASE WITHOUT SPHINGOMYELINASE DEFICIENCY; NIEMANN-PICK DISEASE, CHRONIC NEURONOPATHIC FORM. Identifiers: Orphanet 646, MedGen C3179455, MONDO:0009757, OMIM 257220.

Allele frequency attached by ClinVar (database versions not stated): 1000 Genomes Project 30x 0.00016; 1000 Genomes Project 0.00020; gnomAD exomes below 0.00001; ExAC 0.00001; gnomAD 0.00001.
gnomAD v4.1: 2 of 1,614,128 alleles (0.00012%); highest among the groups gnomAD compares: East Asian, 0.0045%; no homozygotes.

Submissions (2):

PreventionGenetics, part of Exact Sciences
Classification: Uncertain significance for NPC1-related condition. Last evaluated: 2026-03-06. Review status: criteria provided, single submitter. Criteria: ACMG Guidelines, 2015. Collection method: clinical testing. Allele origin: germline.
Comment: The NPC1 c.548C>T variant is predicted to result in the amino acid substitution p.Ala183Val. To our knowledge, this variant has not been reported in the literature. This variant is reported in 0.011% of alleles in individuals of East Asian descent in gnomAD. At this time, the clinical significance of this variant is uncertain due to the absence of conclusive functional and genetic evidence.

Labcorp Genetics (formerly Invitae), Labcorp
Classification: Uncertain significance for Niemann-Pick disease, type C1. Last evaluated: 2021-08-31. Review status: criteria provided, single submitter. Criteria: Invitae Variant Classification Sherloc (09022015). Collection method: clinical testing. Allele origin: germline.
Comment: This sequence change replaces alanine with valine at codon 183 of the NPC1 protein (p.Ala183Val). The alanine residue is moderately conserved and there is a small physicochemical difference between alanine and valine. This variant is present in population databases (rs192963719, ExAC 0.01%). This variant has not been reported in the literature in individuals affected with NPC1-related conditions. Algorithms developed to predict the effect of missense changes on protein structure and function (SIFT, PolyPhen-2, Align-GVGD) all suggest that this variant is likely to be tolerated. Algorithms developed to predict the effect of sequence changes on RNA splicing suggest that this variant may create or strengthen a splice site. In summary, the available evidence is currently insufficient to determine the role of this variant in disease. Therefore, it has been classified as a Variant of Uncertain Significance.

NM_000271.5(NPC1):c.548C>T (p.Ala183Val)

Gene: NPC1 (NPC intracellular cholesterol transporter 1; minus strand). Cytogenetic location: 18q11.2.
Variant type: single nucleotide variant.
Coding change: c.548C>T on transcript NM_000271.5 (MANE Select); coding-DNA position 548, C replaced by T.
Protein change: p.Ala183Val; replaces alanine 183 with valine.
Molecular consequence: missense variant.
Genome position (GRCh38, 1-based): chr18:23,561,443, G>A on the plus strand (C>T on the coding strand, the complement: NPC1 is on the minus strand). VCF-style: chr18-23561443-G-A. GRCh37 (hg19) VCF-style: chr18-21141407-G-A.
Other names: c.548C>T (NM_000271.4); short protein forms A183V.
Identifiers: ClinVar variation 2148067 (VCV002148067.2), dbSNP rs192963719, ClinGen allele CA8913707.